The following is an entry in ClinVar:

ClinVar aggregate classification (germline): Conflicting classifications of pathogenicity. Review status: criteria provided, conflicting classifications (1 of 4 stars). 3 submissions from 3 submitters: Uncertain risk allele (1); Benign (1); Likely benign (1). Last evaluated 2024-12-22.

Conditions:
Insulin-dependent diabetes mellitus secretory diarrhea syndrome (IPEX). Also called: X-Linked Autoimmunity-Allergic Dysregulation Syndrome; IMMUNODEFICIENCY, POLYENDOCRINOPATHY, AND ENTEROPATHY, X-LINKED; Immunodeficiency, Polyendocrinopathy, and Enteropathy X-Linked Syndrome; X-Linked Syndrome of Polyendocrinopathy, Immune Dysfunction, and Diarrhea; Immune dysregulation-polyendocrinopathy-enteropathy-X-linked syndrome; DIABETES MELLITUS, CONGENITAL INSULIN-DEPENDENT, WITH FATAL SECRETORY DIARRHEA. Identifiers: Orphanet 37042, MedGen C0342288, MONDO:0010580, OMIM 304790. Disease mechanism: loss of function.

Allele frequency attached by ClinVar (database versions not stated): gnomAD 0.00001; gnomAD exomes 0.00002 and 0.00014; TOPMed 0.00004; ExAC 0.00007.
gnomAD v4.1: 27 of 1,209,268 alleles (0.0022%); highest among the groups gnomAD compares: Admixed American, 0.059%; no homozygotes.

Submissions (3):

Labcorp Genetics (formerly Invitae), Labcorp
Classification: Benign for Insulin-dependent diabetes mellitus secretory diarrhea syndrome. Last evaluated: 2024-12-22. Review status: criteria provided, single submitter. Criteria: Invitae Variant Classification Sherloc (09022015). Collection method: clinical testing. Allele origin: germline.

Women's Health and Genetics/Laboratory Corporation of America, LabCorp
Classification: Likely benign. Last evaluated: 2022-01-13. Review status: criteria provided, single submitter. Criteria: LabCorp Variant Classification Summary - May 2015. Collection method: clinical testing. Allele origin: germline.
Comment: Variant summary: FOXP3 c.959C>A (p.Thr320Lys) results in a non-conservative amino acid change in the encoded protein sequence. Three of five in-silico tools predict a benign effect of the variant on protein function. The variant allele was found at a frequency of 0.00014 in 182632 control chromosomes, predominantly at a frequency of 0.00095 within the Latino subpopulation in the gnomAD database, including 7 hemizygotes. The observed variant frequency within Latino control individuals in the gnomAD database is approximately equal to the estimated maximal expected allele frequency for a pathogenic variant in FOXP3 causing Insulin-Dependent Diabetes Mellitus Secretory Diarrhea Syndrome (0.00095 vs 0.0011), suggesting that the variant is a benign polymorphism found primarily in populations of Latino origin. To our knowledge, no occurrence of c.959C>A in individuals affected with Insulin-Dependent Diabetes Mellitus Secretory Diarrhea Syndrome and no experimental evidence demonstrating its impact on protein function have been reported. One clinical diagnostic laboratory has submitted clinical-significance assessments for this variant to ClinVar after 2014 and classified the variant as benign. Based on the evidence outlined above, the variant was classified as likely benign.

Clinical Genomics, Uppaluri K&H Personalized Medicine Clinic
Classification: Uncertain risk allele for Insulin-dependent diabetes mellitus secretory diarrhea syndrome. Review status: criteria provided, single submitter. Criteria: K & H Uppaluri Personalized Medicine Clinic Variant Classification & Assertion Criteria_Updated V.1. Collection method: research. Allele origin: unknown. Inheritance: X-linked recessive inheritance.
Comment: Potent mutations in FOXP3 gene are associated with a rare X linked condition called IPEX. It presents with immune dysregulation, secretory diarrhea, polyendocrinopathy which includes diabtes type 1, thyroiditis, growth hormone deficiency and hypoadrenalism. It is associated with pancreatic beta cell destruction.However no sufficient evidence is found to ascertain the role of this particular variant rs781881326, yet.

Literature cited by the submitters: PubMed 29193502 (cited by Clinical Genomics, Uppaluri K&H Personalized Medicine Clinic); PubMed 33194927 (cited by Clinical Genomics, Uppaluri K&H Personalized Medicine Clinic); PubMed 11137993 (cited by Clinical Genomics, Uppaluri K&H Personalized Medicine Clinic); PubMed 23313429 (cited by Clinical Genomics, Uppaluri K&H Personalized Medicine Clinic); PubMed 33523441 (cited by Clinical Genomics, Uppaluri K&H Personalized Medicine Clinic).

NM_014009.4(FOXP3):c.959C>A (p.Thr320Lys)

Gene: FOXP3 (forkhead box P3; minus strand). Cytogenetic location: Xp11.23.
Variant type: single nucleotide variant.
Coding change: c.959C>A on transcript NM_014009.4 (MANE Select); coding-DNA position 959, C replaced by A.
Protein change: p.Thr320Lys; replaces threonine 320 with lysine.
Molecular consequence: missense variant.
Genome position (GRCh38, 1-based): chrX:49,253,925, G>T on the plus strand (C>A on the coding strand, the complement: FOXP3 is on the minus strand). VCF-style: chrX-49253925-G-T. GRCh37 (hg19) VCF-style: chrX-49110386-G-T.
Other names: c.854C>A, p.Thr285Lys (NM_001114377.2); short protein forms T285K, T320K.
Identifiers: ClinVar variation 1166503 (VCV001166503.11), dbSNP rs781881326, ClinGen allele CA10411706.